The following is an entry in ClinVar:

ClinVar aggregate classification (germline): Uncertain significance (1 of 4 stars; one submission).

Submission:

Women's Health and Genetics/Laboratory Corporation of America, LabCorp
Classification: Uncertain significance. Last evaluated: 2017-12-22. Review status: criteria provided, single submitter. Criteria: LabCorp Variant Classification Summary - May 2015. Collection method: clinical testing. Allele origin: germline.
Comment: Variant summary: The PDHA1 c.1009-22_1057dup71 variant involves the duplication of 71 nucleotides that includes part nucleotides from intron 10 and exon 11, spanning the intron-exon junction. 5/5 splice prediction tools predict the introduction of a second 3' splice site, since the original splice junction is duplicated. If the upstream splice site is used, the result would be a frameshift in exon 11 (p.Ala353Valfs*14); truncating variants downstream of this codon have been reported in association with pyruvate dehydrogenase deficiency (e.g., HGMD - p.W383*, p.S388*). If the downstream splice site is used, there would be no change to the reading frame. However, it is unknown which splice site would be preferentially used since functional studies have not been performed. The frequency of this variant in the general population is unknown since the technology used to large control databases such as ExAC or gnomAD cannot detect duplications of this size. The variant of interest has not, to our knowledge, been reported in affected individuals via publications and/or reputable databases/clinical diagnostic laboratories; nor evaluated for functional impact by in vivo/vitro studies. Taken together, this variant is classified as a variant of uncertain significance (VUS)-possibly pathogenic considering the possibility that this variant may cause a frameshit.

NM_000284.4(PDHA1):c.1009-22_1057dup

Gene: PDHA1 (pyruvate dehydrogenase E1 subunit alpha 1; plus strand). Cytogenetic location: Xp22.12.
Variant type: Duplication.
Coding change: c.1009-22_1057dup on transcript NM_000284.4 (MANE Select); 22 bases into the intron before coding-DNA position 1009 through coding-DNA position 1057, 71 bases duplicated.
Molecular consequence: splice acceptor variant.
Genome position (GRCh38, 1-based): chrX:19,359,467-19,359,537, 71 bases duplicated. GRCh37 (hg19): chrX:19,377,585-19,377,655.
Other names: c.1123-22_1171dup (NM_001173454.2); c.1030-22_1078dup (NM_001173455.2); c.916-22_964dup (NM_001173456.2).
Identifiers: ClinVar variation 632937 (VCV000632937.1), dbSNP rs1569193991, ClinGen allele CA913191132.